The following is an entry in ClinVar:

ClinVar aggregate classification (germline): Uncertain significance. Review status: criteria provided, multiple submitters, no conflicts (2 of 4 stars). 2 submissions from 2 submitters: Uncertain significance (2). Last evaluated 2026-06-01.

Conditions:
Bethlem myopathy 2 (BTHLM2). Identifiers: Orphanet 536516, Orphanet 610, MedGen C4225313, MONDO:0034022, OMIM 616471.
Ullrich congenital muscular dystrophy 2 (UCMD2). Identifiers: Orphanet 75840, MedGen C4225314, MONDO:0014654, OMIM 616470.

Submissions (2):

CeGaT Center for Human Genetics Tuebingen
Classification: Uncertain significance. Last evaluated: 2026-06-01. Review status: criteria provided, single submitter. Criteria: CeGaT Center For Human Genetics Tuebingen Variant Classification Criteria Version 2. Collection method: clinical testing. Allele origin: germline. Affected: yes. Observed: 1 variant allele.
Comment: COL12A1: PM2, BP4

Labcorp Genetics (formerly Invitae), Labcorp
Classification: Uncertain significance for Bethlem myopathy 2; Ullrich congenital muscular dystrophy 2. Last evaluated: 2021-11-08. Review status: criteria provided, single submitter. Criteria: Invitae Variant Classification Sherloc (09022015). Collection method: clinical testing. Allele origin: germline.
Comment: This sequence change replaces aspartic acid, which is acidic and polar, with glutamic acid, which is acidic and polar, at codon 785 of the COL12A1 protein (p.Asp785Glu). This variant is not present in population databases (gnomAD no frequency). This variant has not been reported in the literature in individuals affected with COL12A1-related conditions. Algorithms developed to predict the effect of missense changes on protein structure and function are either unavailable or do not agree on the potential impact of this missense change (SIFT: "Deleterious"; PolyPhen-2: "Probably Damaging"; Align-GVGD: "Class C0"). In summary, the available evidence is currently insufficient to determine the role of this variant in disease. Therefore, it has been classified as a Variant of Uncertain Significance.

NM_004370.6(COL12A1):c.2355C>A (p.Asp785Glu)

Gene: COL12A1 (collagen type XII alpha 1 chain; minus strand). Cytogenetic location: 6q13.
Variant type: single nucleotide variant.
Coding change: c.2355C>A on transcript NM_004370.6 (MANE Select); coding-DNA position 2355, C replaced by A.
Protein change: p.Asp785Glu; replaces aspartic acid 785 with glutamic acid.
Molecular consequence: missense variant. On other transcripts: intron variant (1).
Genome position (GRCh38, 1-based): chr6:75,177,745, G>T on the plus strand (C>A on the coding strand, the complement: COL12A1 is on the minus strand). VCF-style: chr6-75177745-G-T. GRCh37 (hg19) VCF-style: chr6-75887461-G-T.
Other names: c.73+24975C>A (NM_080645.3); short protein forms D785E.
Identifiers: ClinVar variation 1386038 (VCV001386038.3), dbSNP rs2149456708, ClinGen allele CA364763868.